The following is an entry in ClinVar:

NM_003073.5(SMARCB1):c.13G>T (p.Ala5Ser)

Gene: SMARCB1 (SWI/SNF related BAF chromatin remodeling complex subunit B1; plus strand). Cytogenetic location: 22q11.23.
Variant type: single nucleotide variant.
Coding change: c.13G>T on transcript NM_003073.5 (MANE Select); coding-DNA position 13, G replaced by T.
Protein change: p.Ala5Ser; replaces alanine 5 with serine.
Molecular consequence: missense variant.
Genome position (GRCh38, 1-based): chr22:23,787,182, G>T. VCF-style: chr22-23787182-G-T. GRCh37 (hg19) VCF-style: chr22-24129369-G-T.
Other names: c.13G>T, p.Ala5Ser (NM_001007468.3, NM_001317946.2, NM_001362877.2); short protein forms A5S.
Identifiers: ClinVar variation 2829104 (VCV002829104.3), dbSNP rs1928040877, ClinGen allele CA410930435.

ClinVar aggregate classification (germline): Uncertain significance (1 of 4 stars; one submission).

gnomAD v4.1: 2 of 1,607,972 alleles (0.00012%); highest among the groups gnomAD compares: South Asian, 0.0022%; no homozygotes.

Submission:

Labcorp Genetics (formerly Invitae), Labcorp
Classification: Uncertain significance. Last evaluated: 2024-04-29. Review status: criteria provided, single submitter. Criteria: Invitae Variant Classification Sherloc (09022015). Collection method: clinical testing. Allele origin: germline.
Comment: This sequence change replaces alanine, which is neutral and non-polar, with serine, which is neutral and polar, at codon 5 of the SMARCB1 protein (p.Ala5Ser). This variant is not present in population databases (gnomAD no frequency). This variant has not been reported in the literature in individuals affected with SMARCB1-related conditions. An algorithm developed to predict the effect of missense changes on protein structure and function (PolyPhen-2) suggests that this variant is likely to be tolerated. In summary, the available evidence is currently insufficient to determine the role of this variant in disease. Therefore, it has been classified as a Variant of Uncertain Significance.